The following is an entry in ClinVar:

NM_182493.3(MYLK3):c.2162T>G (p.Met721Arg)

Gene: MYLK3 (myosin light chain kinase 3; minus strand). Cytogenetic location: 16q11.2.
Variant type: single nucleotide variant.
Coding change: c.2162T>G on transcript NM_182493.3 (MANE Select); coding-DNA position 2162, T replaced by G.
Protein change: p.Met721Arg; replaces methionine 721 with arginine.
Molecular consequence: missense variant.
Genome position (GRCh38, 1-based): chr16:46,710,742, A>C on the plus strand (T>G on the coding strand, the complement: MYLK3 is on the minus strand). VCF-style: chr16-46710742-A-C. GRCh37 (hg19) VCF-style: chr16-46744654-A-C.
Other names: c.1139T>G, p.Met380Arg (NM_001308301.1); short protein forms M380R, M721R.
Identifiers: ClinVar variation 1449298 (VCV001449298.8), dbSNP rs375224034, ClinGen allele CA8037663.

ClinVar aggregate classification (germline): Uncertain significance (1 of 4 stars; one submission).

Allele frequency attached by ClinVar (database versions not stated): gnomAD 0.00001; TOPMed 0.00001; ESP Exome Variant Server 0.00015.
gnomAD v4.1: 3 of 1,614,028 alleles (0.00019%); highest among the groups gnomAD compares: African/African-American, 0.0013%; no homozygotes.

Submission:

Labcorp Genetics (formerly Invitae), Labcorp
Classification: Uncertain significance. Last evaluated: 2025-10-13. Review status: criteria provided, single submitter. Criteria: Invitae Variant Classification Sherloc (09022015). Collection method: clinical testing. Allele origin: germline.
Comment: This sequence change replaces methionine, which is neutral and non-polar, with arginine, which is basic and polar, at codon 721 of the MYLK3 protein (p.Met721Arg). This variant is present in population databases (rs375224034, gnomAD 0.01%). This variant has not been reported in the literature in individuals affected with MYLK3-related conditions. ClinVar contains an entry for this variant (Variation ID: 1449298). An algorithm developed to predict the effect of missense changes on protein structure and function (PolyPhen-2) suggests that this variant is likely to be disruptive. In summary, the available evidence is currently insufficient to determine the role of this variant in disease. Therefore, it has been classified as a Variant of Uncertain Significance.